The following is an entry in ClinVar:

ClinVar aggregate classification (germline): Likely benign. Review status: criteria provided, multiple submitters, no conflicts (2 of 4 stars). 3 submissions from 3 submitters: Likely benign (2). 1 of the submissions does not count toward it. Last evaluated 2025-10-29.

Conditions:
RAI1-related disorder. Also called: RAI1-related condition.
Inborn genetic diseases. Identifiers: MedGen C0950123, MeSH D030342.

Allele frequency attached by ClinVar (database versions not stated): ExAC 0.00002; gnomAD 0.00001; TOPMed 0.00001; gnomAD exomes 0.00002.
gnomAD v4.1: 31 of 1,613,100 alleles (0.0019%); highest among the groups gnomAD compares: Admixed American, 0.0033%; no homozygotes.

Submissions (3):

Ambry Genetics
Classification: Likely benign for Inborn genetic diseases. Last evaluated: 2025-10-29. Review status: criteria provided, single submitter. Criteria: Ambry Variant Classification Scheme 2023. Collection method: clinical testing. Allele origin: germline.

Labcorp Genetics (formerly Invitae), Labcorp
Classification: Likely benign. Last evaluated: 2025-06-02. Review status: criteria provided, single submitter. Criteria: Invitae Variant Classification Sherloc (09022015). Collection method: clinical testing. Allele origin: germline.

PreventionGenetics, part of Exact Sciences
Classification: Uncertain significance for RAI1-related condition. Last evaluated: 2023-12-15. Review status: no assertion criteria provided. Collection method: clinical testing. Allele origin: germline. Not counted in ClinVar's aggregate classification.
Comment: The RAI1 c.1345G>A variant is predicted to result in the amino acid substitution p.Val449Ile. To our knowledge, this variant has not been reported in the literature. This variant is reported in 0.039% of alleles in individuals of Ashkenazi Jewish descent in gnomAD. Although we suspect that this variant may be benign, at this time, the clinical significance of this variant is uncertain due to the absence of conclusive functional and genetic evidence.

NM_030665.4(RAI1):c.1345G>A (p.Val449Ile)

Gene: RAI1 (retinoic acid induced 1; plus strand). Cytogenetic location: 17p11.2.
Variant type: single nucleotide variant.
Coding change: c.1345G>A on transcript NM_030665.4 (MANE Select); coding-DNA position 1345, G replaced by A.
Protein change: p.Val449Ile; replaces valine 449 with isoleucine.
Molecular consequence: missense variant.
Genome position (GRCh38, 1-based): chr17:17,794,293, G>A. VCF-style: chr17-17794293-G-A. GRCh37 (hg19) VCF-style: chr17-17697607-G-A.
Other names: c.1345G>A (NM_030665.3); short protein forms V449I.
Identifiers: ClinVar variation 2731250 (VCV002731250.5), dbSNP rs755492073, ClinGen allele CA8418318.